The following is an entry in ClinVar:

NM_001371928.1(AHDC1):c.835C>G (p.Gln279Glu)

Gene: AHDC1 (AT-hook DNA binding motif containing 1; minus strand). Cytogenetic location: 1p36.11.
Variant type: single nucleotide variant.
Coding change: c.835C>G on transcript NM_001371928.1 (MANE Select); coding-DNA position 835, C replaced by G.
Protein change: p.Gln279Glu; replaces glutamine 279 with glutamic acid.
Molecular consequence: missense variant.
Genome position (GRCh38, 1-based): chr1:27,551,281, G>C on the plus strand (C>G on the coding strand, the complement: AHDC1 is on the minus strand). VCF-style: chr1-27551281-G-C. GRCh37 (hg19) VCF-style: chr1-27877792-G-C.
Other names: c.835C>G, p.Gln279Glu (NM_001029882.3); short protein forms Q279E.
Identifiers: ClinVar variation 1461504 (VCV001461504.9), dbSNP rs1259408806, ClinGen allele CA339235995.
Genomic context (GRCh38, chr1:27,551,281, plus strand): 5'-GTGGCAGCTCCAGAGCTTCCCCGAGCGGCTCTAGTGCCTGCGGGTCCAGGAAGCGGGGCT[G>C]GGGGTCCAGGAGCTGAGGCTCCGGCTCGGGCGATGGTGGCTCGAGGGCCTGGGCCTCTAG-3'
Protein context (NP_001358857.1, residues 269-289): PEPEPQLLDP[Gln279Glu]PRFLDPQALE

ClinVar aggregate classification (germline): Conflicting classifications of pathogenicity. Review status: criteria provided, conflicting classifications (1 of 4 stars). 2 submissions from 2 submitters: Uncertain significance (1); Likely benign (1). Last evaluated 2025-10-02.

Allele frequency attached by ClinVar (database versions not stated): gnomAD exomes below 0.00001 and 0.00001; gnomAD 0.00001; TOPMed 0.00002.

Submissions (2):

Labcorp Genetics (formerly Invitae), Labcorp
Classification: Uncertain significance. Last evaluated: 2025-10-02. Review status: criteria provided, single submitter. Criteria: Invitae Variant Classification Sherloc (09022015). Collection method: clinical testing. Allele origin: germline.
Comment: This sequence change replaces glutamine, which is neutral and polar, with glutamic acid, which is acidic and polar, at codon 279 of the AHDC1 protein (p.Gln279Glu). This variant is present in population databases (no rsID available, gnomAD 0.0009%). This variant has not been reported in the literature in individuals affected with AHDC1-related conditions. ClinVar contains an entry for this variant (Variation ID: 1461504). An algorithm developed to predict the effect of missense changes on protein structure and function (PolyPhen-2) suggests that this variant is likely to be tolerated. In summary, the available evidence is currently insufficient to determine the role of this variant in disease. Therefore, it has been classified as a Variant of Uncertain Significance.

Laboratory of Genetics, Children's Clinical University Hospital Latvia
Classification: Likely benign. Last evaluated: 2025-02-16. Review status: criteria provided, single submitter. Criteria: ACMG Guidelines, 2015. Collection method: clinical testing. Allele origin: germline. Affected: yes.